The following is an entry in ClinVar:

NM_001903.5(CTNNA1):c.68dup (p.Ala24fs)

Gene: CTNNA1 (catenin alpha 1; plus strand). Cytogenetic location: 5q31.2.
Variant type: Duplication.
Coding change: c.68dup on transcript NM_001903.5 (MANE Select); coding-DNA position 68, one base duplicated (T; older notation c.68dupT).
Protein change: p.Ala24fs; shifts the reading frame from alanine 24.
Molecular consequence: frameshift variant. On other transcripts: 5 prime UTR variant (2).
Genome position (GRCh38, 1-based): chr5:138,781,992, T duplicated. VCF-style (leftmost placement, unchanged base first): chr5-138781991-C-CT. GRCh37 (hg19) VCF-style: chr5-138117680-C-CT.
Other names: c.68dup, p.Ala24fs (NM_001290307.3, NM_001323982.2, NM_001323983.1 and 3 more transcripts); c.-46dup (NM_001290309.3); c.-139dup (NM_001290310.3); short protein forms A24fs.
Identifiers: ClinVar variation 1425345 (VCV001425345.6), dbSNP rs2149651992, ClinGen allele CA2573139199.
Genomic context (GRCh38, chr5:138,781,991, plus strand): 5'-GCTGTCCATGCAGGCAACATAAACTTCAAGTGGGATCCTAAAAGTCTAGAGATCAGGACT[C>CT]TGGCAGTTGAGAGACTGTTGGAGCCTCTTGTTACACAGGTAAGAATCTGAAAACACAAAT-3'

ClinVar aggregate classification (germline): Pathogenic. Review status: criteria provided, multiple submitters, no conflicts (2 of 4 stars). 2 submissions from 2 submitters: Pathogenic (2). Last evaluated 2023-05-15.

Conditions:
Hereditary diffuse gastric adenocarcinoma (HDGC). Also called: DIFFUSE GASTRIC AND LOBULAR BREAST CANCER SYNDROME. Identifiers: Orphanet 26106, MedGen C1708349, MONDO:0007648, OMIM 137215.

Submissions (2):

Labcorp Genetics (formerly Invitae), Labcorp
Classification: Pathogenic. Last evaluated: 2023-05-15. Review status: criteria provided, single submitter. Criteria: Invitae Variant Classification Sherloc (09022015). Collection method: clinical testing. Allele origin: germline.
Comment: ClinVar contains an entry for this variant (Variation ID: 1425345). For these reasons, this variant has been classified as Pathogenic. This variant has not been reported in the literature in individuals affected with CTNNA1-related conditions. This variant is not present in population databases (gnomAD no frequency). This sequence change creates a premature translational stop signal (p.Ala24Glyfs*3) in the CTNNA1 gene. It is expected to result in an absent or disrupted protein product. Loss-of-function variants in CTNNA1 are known to be pathogenic (PMID: 32051609, 34425242).

Myriad Genetics, Inc.
Classification: Pathogenic for Hereditary diffuse gastric adenocarcinoma. Last evaluated: 2023-01-11. Review status: criteria provided, single submitter. Criteria: Myriad Autosomal Dominant, Autosomal Recessive and X-Linked Classification Criteria (2023). Collection method: clinical testing. Allele origin: unknown.
Comment: This variant is considered pathogenic. This variant creates a frameshift predicted to result in premature protein truncation.

Literature cited by the submitters: PubMed 32051609 (cited by Labcorp Genetics (formerly Invitae), Labcorp); PubMed 34425242 (cited by Labcorp Genetics (formerly Invitae), Labcorp).